The following is an entry in ClinVar:

ClinVar aggregate classification (germline): Likely benign (1 of 4 stars; one submission).

Conditions:
PKD1-related disorder. Also called: PKD1-related condition.

gnomAD v4.1: 6 of 1,610,634 alleles (0.00037%); highest among the groups gnomAD compares: East Asian, 0.011%; no homozygotes.

Submission:

PreventionGenetics, part of Exact Sciences
Classification: Likely benign for PKD1-related condition. Last evaluated: 2026-07-06. Review status: criteria provided, single submitter. Criteria: ACMG Guidelines, 2015. Collection method: clinical testing. Allele origin: germline.
Comment: This variant is classified as likely benign based on ACMG/AMP sequence variant interpretation guidelines (Richards et al. 2015 PMID: 25741868, with internal and published modifications).

NM_001009944.3(PKD1):c.4176G>A (p.Val1392=)

Gene: PKD1 (polycystin 1, transient receptor potential channel interacting; minus strand). Cytogenetic location: 16p13.3.
Variant type: single nucleotide variant.
Coding change: c.4176G>A on transcript NM_001009944.3 (MANE Select); coding-DNA position 4176, G replaced by A.
Protein change: p.Val1392=; no amino-acid change (valine 1392 retained).
Molecular consequence: synonymous variant.
Genome position (GRCh38, 1-based): chr16:2,110,991, C>T on the plus strand (G>A on the coding strand, the complement: PKD1 is on the minus strand). VCF-style: chr16-2110991-C-T. GRCh37 (hg19) VCF-style: chr16-2160992-C-T.
Other names: c.4176G>A, p.Val1392= (NM_000296.4).
Identifiers: ClinVar variation 4980209 (VCV004980209.1).